The following is an entry in ClinVar:

ClinVar aggregate classification (germline): Uncertain significance (1 of 4 stars; one submission).

Conditions:
C3 glomerulonephritis. Also called: C3 GLOMERULOPATHY 3; Nephropathy due to CFHR5 Deficiency. Identifiers: Orphanet 329931, MedGen C4055342, MONDO:0013892, OMIM 614809.

Submission:

Genomenon, Inc
Classification: Uncertain significance for C3 glomerulonephritis. Last evaluated: 2025-09-26. Review status: criteria provided, single submitter. Criteria: Genomenon Sequence Variant Interpretation Standards - Updated. Collection method: curation. Allele origin: germline. Affected: yes.
Comment: CFI p.Lys136Thr (c.407A>C) is a missense variant that changes the amino acid at residue 136 from Lysine to Threonine. This variant has been observed in at least one proband affected with C3 glomerulonephritis (PMID:35619721). Functional studies have been reported; however, the significance of the findings remain unclear (PMID:35619721). It is absent or not present at a significant frequency in gnomAD. In silico models agree that this variant is not damaging. In conclusion, we classify CFI p.Lys136Thr (c.407A>C) as a variant of unknown significance.

Literature cited by the submitters: PubMed 35619721.

NM_000204.5(CFI):c.407A>C (p.Lys136Thr)

Gene: CFI (complement factor I; minus strand). Cytogenetic location: 4q25.
Variant type: single nucleotide variant.
Coding change: c.407A>C on transcript NM_000204.5 (MANE Select); coding-DNA position 407, A replaced by C.
Protein change: p.Lys136Thr; replaces lysine 136 with threonine.
Molecular consequence: missense variant. On other transcripts: non-coding transcript variant (3), intron variant (1).
Genome position (GRCh38, 1-based): chr4:109,764,612, T>G on the plus strand (A>C on the coding strand, the complement: CFI is on the minus strand). VCF-style: chr4-109764612-T-G. GRCh37 (hg19) VCF-style: chr4-110685768-T-G.
Other names: c.407A>C, p.Lys136Thr (NM_001318057.2, NM_001331035.2, NM_001375278.1 and 10 more transcripts); c.-127-2920A>C (NM_001375284.1); short protein forms K136T.
Identifiers: ClinVar variation 4280501 (VCV004280501.1).